The following is an entry in ClinVar:

ClinVar aggregate classification (germline): Uncertain significance. Review status: criteria provided, multiple submitters, no conflicts (2 of 4 stars). 2 submissions from 2 submitters: Uncertain significance (2). Last evaluated 2026-08-08.

Conditions:
Cardiovascular phenotype. Identifiers: MedGen CN230736.
3-Methylglutaconic aciduria type 2 (BTHS). Also called: CARDIOSKELETAL MYOPATHY WITH NEUTROPENIA AND ABNORMAL MITOCHONDRIA; Barth syndrome. Identifiers: Orphanet 111, MedGen C0574083, MONDO:0010543, OMIM 302060.

Submissions (2):

Ambry Genetics
Classification: Uncertain significance for Cardiovascular phenotype. Last evaluated: 2026-08-08. Review status: criteria provided, single submitter. Criteria: Ambry Variant Classification Scheme 2023. Collection method: clinical testing. Allele origin: germline.
Comment: The p.F243I variant (also known as c.727T>A), located in coding exon 10 of the TAZ gene, results from a T to A substitution at nucleotide position 727. The phenylalanine at codon 243 is replaced by isoleucine, an amino acid with highly similar properties. This amino acid position is conserved. In addition, this alteration is predicted to be deleterious by in silico analysis. Based on the available evidence, the clinical significance of this variant remains unclear.

Labcorp Genetics (formerly Invitae), Labcorp
Classification: Uncertain significance for 3-Methylglutaconic aciduria type 2. Last evaluated: 2025-01-28. Review status: criteria provided, single submitter. Criteria: Invitae Variant Classification Sherloc (09022015). Collection method: clinical testing. Allele origin: germline.
Comment: This sequence change replaces phenylalanine, which is neutral and non-polar, with isoleucine, which is neutral and non-polar, at codon 243 of the TAZ protein (p.Phe243Ile). This variant is not present in population databases (gnomAD no frequency). This variant has not been reported in the literature in individuals affected with TAZ-related conditions. ClinVar contains an entry for this variant (Variation ID: 2033301). An algorithm developed to predict the effect of missense changes on protein structure and function (PolyPhen-2) suggests that this variant is likely to be tolerated. In summary, the available evidence is currently insufficient to determine the role of this variant in disease. Therefore, it has been classified as a Variant of Uncertain Significance.

NM_000116.5(TAFAZZIN):c.727T>A (p.Phe243Ile)

Gene: TAFAZZIN (tafazzin, phospholipid-lysophospholipid transacylase; plus strand). Cytogenetic location: Xq28.
Variant type: single nucleotide variant.
Coding change: c.727T>A on transcript NM_000116.5 (MANE Select); coding-DNA position 727, T replaced by A.
Protein change: p.Phe243Ile; replaces phenylalanine 243 with isoleucine.
Molecular consequence: missense variant. On other transcripts: non-coding transcript variant (1).
Genome position (GRCh38, 1-based): chrX:154,420,685, T>A. VCF-style: chrX-154420685-T-A. GRCh37 (hg19) VCF-style: chrX-153649024-T-A.
Other names: c.727T>A (NM_000116.3); c.739T>A, p.Phe247Ile (NM_001303465.2); c.691T>A, p.Phe231Ile (NM_001410698.1); c.637T>A, p.Phe213Ile (NM_181311.4); c.685T>A, p.Phe229Ile (NM_181312.4); c.595T>A, p.Phe199Ile (NM_181313.4); short protein forms F199I, F231I, F213I, F229I, F247I, F243I.
Identifiers: ClinVar variation 2033301 (VCV002033301.5), dbSNP rs2522996668, ClinGen allele CA415185396.